The following is an entry in ClinVar:

ClinVar aggregate classification (germline): Pathogenic/Likely pathogenic. Review status: criteria provided, multiple submitters, no conflicts (2 of 4 stars). 2 submissions from 2 submitters: Pathogenic (1); Likely pathogenic (1). Last evaluated 2025-06-01.

Conditions:
FBN1-related disorder. Also called: FBN1-related disorders.
Marfan syndrome (MFS). Also called: FBN1-Related Marfan Syndrome; MARFAN SYNDROME, TYPE I; Marfan syndrome type 1; Marfan's syndrome; Marfan syndrome, classic. Identifiers: Orphanet 284963, Orphanet 558, MedGen C0024796, MONDO:0007947, OMIM 154700.
Familial thoracic aortic aneurysm and aortic dissection (TAAD). Also called: Thoracic aortic aneurysms and dissections. Identifiers: Orphanet 91387, MedGen C4707243, MONDO:0019625.

Submissions (2):

Labcorp Genetics (formerly Invitae), Labcorp
Classification: Pathogenic for Marfan syndrome; Familial thoracic aortic aneurysm and aortic dissection. Last evaluated: 2025-06-01. Review status: criteria provided, single submitter. Criteria: Invitae Variant Classification Sherloc (09022015). Collection method: clinical testing. Allele origin: germline.
Comment: This sequence change creates a premature translational stop signal (p.Trp2371*) in the FBN1 gene. It is expected to result in an absent or disrupted protein product. Loss-of-function variants in FBN1 are known to be pathogenic (PMID: 17657824, 19293843). This variant is not present in population databases (gnomAD no frequency). This premature translational stop signal has been observed in individual(s) with Marfan syndrome (PMID: 21542060). ClinVar contains an entry for this variant (Variation ID: 962745). For these reasons, this variant has been classified as Pathogenic.

Blueprint Genetics
Classification: Likely pathogenic for FBN1-related disorders. Last evaluated: 2023-12-07. Review status: criteria provided, single submitter. Criteria: ACMG Guidelines, 2015. Collection method: clinical testing. Allele origin: germline. Affected: yes. Observed: 1 variant allele.

Literature cited by the submitters: PubMed 17657824 (cited by Labcorp Genetics (formerly Invitae), Labcorp); PubMed 19293843 (cited by Labcorp Genetics (formerly Invitae), Labcorp); PubMed 21542060 (cited by Labcorp Genetics (formerly Invitae), Labcorp).

NM_000138.5(FBN1):c.7113G>A (p.Trp2371Ter)

Gene: FBN1 (fibrillin 1; minus strand). Cytogenetic location: 15q21.1.
Variant type: single nucleotide variant.
Coding change: c.7113G>A on transcript NM_000138.5 (MANE Select); coding-DNA position 7113, G replaced by A.
Protein change: p.Trp2371Ter; replaces tryptophan 2371 with a stop codon.
Molecular consequence: nonsense.
Genome position (GRCh38, 1-based): chr15:48,427,658, C>T on the plus strand (G>A on the coding strand, the complement: FBN1 is on the minus strand). VCF-style: chr15-48427658-C-T. GRCh37 (hg19) VCF-style: chr15-48719855-C-T.
Other names: short protein forms W2371*.
Identifiers: ClinVar variation 962745 (VCV000962745.9), dbSNP rs886039063, ClinGen allele CA392329710.